The following is an entry in ClinVar:

ClinVar aggregate classification (germline): Pathogenic (1 of 4 stars; one submission).

Conditions:
Hereditary cancer-predisposing syndrome. Also called: Neoplastic Syndromes, Hereditary; Tumor predisposition; Hereditary Cancer Syndrome; Hereditary neoplastic syndrome. Identifiers: Orphanet 140162, MedGen C0027672, MeSH D009386, MONDO:0015356.

Submission:

Ambry Genetics
Classification: Pathogenic for Hereditary cancer-predisposing syndrome. Last evaluated: 2021-05-07. Review status: criteria provided, single submitter. Criteria: Ambry Variant Classification Scheme 2023. Collection method: clinical testing. Allele origin: germline.
Comment: The c.3348delG pathogenic mutation, located in coding exon 22 of the ATM gene, results from a deletion of one nucleotide at nucleotide position 3348, causing a translational frameshift with a predicted alternate stop codon (p.Q1116Hfs*10). This alteration is expected to result in loss of function by premature protein truncation or nonsense-mediated mRNA decay. As such, this alteration is interpreted as a disease-causing mutation.

NM_000051.4(ATM):c.3348del (p.Gln1116fs)

Gene: ATM (ATM serine/threonine kinase; plus strand). Cytogenetic location: 11q22.3.
Variant type: Deletion.
Coding change: c.3348del on transcript NM_000051.4 (MANE Select); coding-DNA position 3348, one base deleted (G; older notation c.3348delG).
Protein change: p.Gln1116fs; shifts the reading frame from glutamine 1116.
Molecular consequence: frameshift variant.
Genome position (GRCh38, 1-based): chr11:108,279,554, G deleted. VCF-style (leftmost placement, unchanged base first): chr11-108279553-AG-A. GRCh37 (hg19) VCF-style: chr11-108150280-AG-A.
Other names: c.3348del, p.Gln1116fs (NM_001351834.2); short protein forms Q1116fs.
Identifiers: ClinVar variation 1730480 (VCV001730480.2), dbSNP rs2546862430, ClinGen allele CA2580082975.